The following is an entry in ClinVar:

ClinVar aggregate classification (germline): Benign/Likely benign. Review status: criteria provided, multiple submitters, no conflicts (2 of 4 stars). 4 submissions from 4 submitters: Benign (2); Likely benign (2). Last evaluated 2026-02-01.

Conditions:
Cardiovascular phenotype. Identifiers: MedGen CN230736.
Capillary malformation-arteriovenous malformation syndrome. Also called: Capillary malformation-arteriovenous malformation. Identifiers: Orphanet 137667, MedGen C1842180, MONDO:0012016.
Capillary malformation-arteriovenous malformation 1 (CMAVM1). Identifiers: Orphanet 137667, Orphanet 693907, MedGen C4747394, MONDO:0020783, OMIM 608354.

Allele frequency attached by ClinVar (database versions not stated): 1000 Genomes Project 30x 0.00016; 1000 Genomes Project 0.00020; TOPMed 0.00024; gnomAD exomes 0.00031; ESP Exome Variant Server 0.00015; gnomAD 0.00029 and 0.00030; ExAC 0.00031.
gnomAD v4.1: 335 of 1,613,504 alleles (0.021%); highest among the groups gnomAD compares: Non-Finnish European, 0.011%; no homozygotes.

Submissions (4):

Labcorp Genetics (formerly Invitae), Labcorp
Classification: Benign for Capillary malformation-arteriovenous malformation syndrome. Last evaluated: 2026-02-01. Review status: criteria provided, single submitter. Criteria: Invitae Variant Classification Sherloc (09022015). Collection method: clinical testing. Allele origin: germline.

CeGaT Center for Human Genetics Tuebingen
Classification: Likely benign. Last evaluated: 2023-02-01. Review status: criteria provided, single submitter. Criteria: CeGaT Center For Human Genetics Tuebingen Variant Classification Criteria Version 2. Collection method: clinical testing. Allele origin: germline. Affected: yes. Observed: 1 variant allele.
Comment: RASA1: BP4, BP7

Ambry Genetics
Classification: Likely benign for Cardiovascular phenotype. Last evaluated: 2018-03-01. Review status: criteria provided, single submitter. Criteria: Ambry Variant Classification Scheme 2023. Collection method: clinical testing. Allele origin: germline.

Illumina Laboratory Services, Illumina
Classification: Benign for Capillary malformation-arteriovenous malformation 1. Last evaluated: 2018-01-12. Review status: criteria provided, single submitter. Criteria: ICSL Variant Classification Criteria 13 December 2019. Collection method: clinical testing. Allele origin: germline.
Comment: This variant was observed in the ICSL laboratory as part of a predisposition screen in an ostensibly healthy population. It had not been previously curated by ICSL or reported in the Human Gene Mutation Database (HGMD: prior to June 1st, 2018), and was therefore a candidate for classification through an automated scoring system. Utilizing variant allele frequency, disease prevalence and penetrance estimates, and inheritance mode, an automated score was calculated to assess if this variant is too frequent to cause the disease. Based on the score and internal cut-off values, a variant classified as benign is not then subjected to further curation. The score for this variant resulted in a classification of benign for this disease.

NM_002890.3(RASA1):c.2286C>T (p.His762=)

Genes: CCNH (cyclin H; minus strand), RASA1 (RAS p21 protein activator 1; plus strand). Cytogenetic location: 5q14.3.
Variant type: single nucleotide variant.
Coding change: c.2286C>T on transcript NM_002890.3 (MANE Select); coding-DNA position 2286, C replaced by T.
Protein change: p.His762=; no amino-acid change (histidine 762 retained).
Molecular consequence: synonymous variant. On other transcripts: intron variant (1).
Genome position (GRCh38, 1-based): chr5:87,376,982, C>T. VCF-style: chr5-87376982-C-T. GRCh37 (hg19) VCF-style: chr5-86672799-C-T.
Other names: c.1755C>T, p.His585= (NM_022650.3); c.933+18062G>A (NM_001364075.2).
Identifiers: ClinVar variation 697010 (VCV000697010.39), dbSNP rs373059169, ClinGen allele CA3335958.